The following is an entry in ClinVar:

ClinVar aggregate classification (germline): Uncertain significance (1 of 4 stars; one submission).

Submission:

GeneDx
Classification: Uncertain significance. Last evaluated: 2025-08-11. Review status: criteria provided, single submitter. Criteria: GeneDx Variant Classification Process June 2021. Collection method: clinical testing. Allele origin: germline. Affected: yes.
Comment: Not observed at significant frequency in large population cohorts (gnomAD); In-frame deletion of 1 amino acid(s) in a non-repeat region; In silico analysis supports a deleterious effect on protein structure/function; Has not been previously published as pathogenic or benign to our knowledge

NM_001046.3(SLC12A2):c.2768AAG[1] (p.Glu924del)

Gene: SLC12A2 (solute carrier family 12 member 2; plus strand). Cytogenetic location: 5q23.3.
Variant type: Microsatellite.
Coding change: c.2768AAG[1] on transcript NM_001046.3 (MANE Select); one copy of the 3-base unit AAG starting at c.2768; the reference has two copies in a row; one copy, 3 bases deleted.
Protein change: p.Glu924del; deletes glutamic acid 924.
Molecular consequence: non-coding transcript variant (on NR_046207.2).
Genome position (GRCh38, 1-based): chr5:128,171,714-128,171,716, AAG deleted; deleting any 3 consecutive bases within chr5:128,171,711-128,171,716 gives the same sequence; the position shown is the placement nearest the transcript's 3' end. VCF-style (leftmost placement, unchanged base first): chr5-128171710-AAAG-A. GRCh37 (hg19) VCF-style: chr5-127507402-AAAG-A.
Other names: c.2768AAG[1], p.Glu924del (NM_001256461.2); short protein forms E924del.
Identifiers: ClinVar variation 4795549 (VCV004795549.1).